The following is an entry in ClinVar:

NM_001267550.2(TTN):c.60198G>A (p.Pro20066=)

Genes: TTN (titin; minus strand), TTN-AS1 (TTN antisense RNA 1; plus strand), LOC126806424 (CDK7 strongly-dependent group 2 enhancer GRCh37_chr2:179456337-179457536; plus strand). Cytogenetic location: 2q31.2.
Variant type: single nucleotide variant.
Coding change: c.60198G>A on transcript NM_001267550.2 (MANE Select); coding-DNA position 60198, G replaced by A.
Protein change: p.Pro20066=; no amino-acid change (proline 20066 retained).
Molecular consequence: synonymous variant.
Genome position (GRCh38, 1-based): chr2:178,591,621, C>T on the plus strand (G>A on the coding strand, the complement: TTN is on the minus strand). VCF-style: chr2-178591621-C-T. GRCh37 (hg19) VCF-style: chr2-179456348-C-T.
Other names: c.55275G>A, p.Pro18425= (NM_001256850.1); c.52494G>A, p.Pro17498= (NM_133378.4); c.33003G>A, p.Pro11001= (NM_003319.4); c.33378G>A, p.Pro11126= (NM_133432.3); c.33579G>A, p.Pro11193= (NM_133437.4).
Identifiers: ClinVar variation 228116 (VCV000228116.26), dbSNP rs767152563, ClinGen allele CA1992544.

ClinVar aggregate classification (germline): Benign/Likely benign. Review status: criteria provided, multiple submitters, no conflicts (2 of 4 stars). 14 submissions from 11 submitters: Benign (5); Likely benign (9). Last evaluated 2026-08-01.

Conditions:
TTN-related disorder. Also called: TTN-related disorders; TTN-related condition; TTN-related disease.
Cardiovascular phenotype. Identifiers: MedGen CN230736.
Autosomal recessive limb-girdle muscular dystrophy type 2J (LGMDR10). Also called: Limb-girdle muscular dystrophy, type 2J; MUSCULAR DYSTROPHY, LIMB-GIRDLE, AUTOSOMAL RECESSIVE 10. Identifiers: Orphanet 140922, MedGen C1837342, MONDO:0012127, OMIM 608807.
Dilated cardiomyopathy 1G (CMD1G). Identifiers: Orphanet 154, MedGen C1858763, MONDO:0011400, OMIM 604145.
Myopathy, myofibrillar, 9, with early respiratory failure (MFM9). Also called: Hereditary myopathy with early respiratory failure; EDSTROM MYOPATHY; MYOPATHY, PROXIMAL, WITH EARLY RESPIRATORY MUSCLE INVOLVEMENT; Myopathy, distal, with early respiratory failure, autosomal dominant. Identifiers: Orphanet 178464, Orphanet 34521, MedGen C1863599, MONDO:0011362, OMIM 603689.
Tibial muscular dystrophy (TMD). Also called: Tibial muscular dystrophy, tardive; UDD MYOPATHY; Udd Distal Myopathy – Tibial Muscular Dystrophy. Identifiers: Orphanet 609, MedGen C1838244, MONDO:0010870, OMIM 600334.
Hypertrophic cardiomyopathy 9. Also called: Familial hypertrophic cardiomyopathy 9. Identifiers: MedGen C1861065, MONDO:0013412, OMIM 613765.
Early-onset myopathy with fatal cardiomyopathy (CMYO5). Also called: Salih Myopathy; CONGENITAL MYOPATHY 5 WITH CARDIOMYOPATHY. Identifiers: Orphanet 289377, MedGen C2673677, MONDO:0012714, OMIM 611705. Disease mechanism: loss of function.

Allele frequency attached by ClinVar (database versions not stated): gnomAD 0.00006; gnomAD exomes 0.00007; ExAC 0.00008; TOPMed 0.00008.
gnomAD v4.1: 149 of 1,612,388 alleles (0.0092%); highest among the groups gnomAD compares: Middle Eastern, 0.049%; no homozygotes.

Submissions (14):

CeGaT Center for Human Genetics Tuebingen
Classification: Likely benign. Last evaluated: 2026-08-01. Review status: criteria provided, single submitter. Criteria: CeGaT Center For Human Genetics Tuebingen Variant Classification Criteria Version 2. Collection method: clinical testing. Allele origin: germline. Affected: yes. Observed: 1 variant allele.
Comment: TTN: BP4, BP7

Labcorp Genetics (formerly Invitae), Labcorp
Classification: Likely benign for Dilated cardiomyopathy 1G; Autosomal recessive limb-girdle muscular dystrophy type 2J. Last evaluated: 2026-01-26. Review status: criteria provided, single submitter. Criteria: Invitae Variant Classification Sherloc (09022015). Collection method: clinical testing. Allele origin: germline.

PreventionGenetics, part of Exact Sciences
Classification: Likely benign for TTN-related condition. Last evaluated: 2025-06-26. Review status: criteria provided, single submitter. Criteria: ACMG Guidelines, 2015. Collection method: clinical testing. Allele origin: germline.
Comment: This variant is classified as likely benign based on ACMG/AMP sequence variant interpretation guidelines (Richards et al. 2015 PMID: 25741868, with internal and published modifications).

Women's Health and Genetics/Laboratory Corporation of America, LabCorp
Classification: Likely benign. Last evaluated: 2024-11-04. Review status: criteria provided, single submitter. Criteria: LabCorp Variant Classification Summary - May 2015. Collection method: clinical testing. Allele origin: germline.

Blueprint Genetics
Classification: Likely benign. Last evaluated: 2024-03-15. Review status: criteria provided, single submitter. Criteria: ACMG Guidelines, 2015. Collection method: clinical testing. Allele origin: germline.

Genome-Nilou Lab
Classification: Benign for Autosomal recessive limb-girdle muscular dystrophy type 2J. Last evaluated: 2021-09-10. Review status: criteria provided, single submitter. Criteria: ACMG Guidelines, 2015. Collection method: clinical testing. Allele origin: germline. Affected: no.

Genome-Nilou Lab
Classification: Benign for Myopathy, myofibrillar, 9, with early respiratory failure. Last evaluated: 2021-09-10. Review status: criteria provided, single submitter. Criteria: ACMG Guidelines, 2015. Collection method: clinical testing. Allele origin: germline. Affected: no.

Genome-Nilou Lab
Classification: Benign for Early-onset myopathy with fatal cardiomyopathy. Last evaluated: 2021-09-10. Review status: criteria provided, single submitter. Criteria: ACMG Guidelines, 2015. Collection method: clinical testing. Allele origin: germline. Affected: no.

Genome-Nilou Lab
Classification: Benign for Tibial muscular dystrophy. Last evaluated: 2021-09-10. Review status: criteria provided, single submitter. Criteria: ACMG Guidelines, 2015. Collection method: clinical testing. Allele origin: germline. Affected: no.

Fulgent Genetics
Classification: Likely benign for Tibial muscular dystrophy; Myopathy, myofibrillar, 9, with early respiratory failure; Dilated cardiomyopathy 1G; Autosomal recessive limb-girdle muscular dystrophy type 2J; Early-onset myopathy with fatal cardiomyopathy; Hypertrophic cardiomyopathy 9. Last evaluated: 2021-07-26. Review status: criteria provided, single submitter. Criteria: ACMG Guidelines, 2015. Collection method: clinical testing. Allele origin: unknown.

Ambry Genetics
Classification: Likely benign for Cardiovascular phenotype. Last evaluated: 2018-12-22. Review status: criteria provided, single submitter. Criteria: Ambry Variant Classification Scheme 2023. Collection method: clinical testing. Allele origin: germline.

Athena Diagnostics
Classification: Likely benign. Last evaluated: 2018-06-26. Review status: criteria provided, single submitter. Criteria: Athena Diagnostics Criteria. Collection method: clinical testing. Allele origin: germline.

GeneDx
Classification: Benign. Last evaluated: 2015-10-26. Review status: criteria provided, single submitter. Criteria: GeneDx Variant Classification (06012015). Collection method: clinical testing. Allele origin: germline. Affected: yes.
Comment: This variant is considered likely benign or benign based on one or more of the following criteria: it is a conservative change, it occurs at a poorly conserved position in the protein, it is predicted to be benign by multiple in silico algorithms, and/or has population frequency not consistent with disease.

Laboratory for Molecular Medicine, Mass General Brigham Personalized Medicine
Classification: Likely benign. Last evaluated: 2015-06-24. Review status: criteria provided, single submitter. Criteria: LMM Criteria. Collection method: clinical testing. Allele origin: germline. Observed: 1 variant allele.
Comment: p.Pro17498Pro in exon 252 of TTN: This variant is not expected to have clinical significance because it does not alter an amino acid residue and is not located within the splice consensus sequence. It has been identified in 7/66668 European chromosomes by the Exome Aggregation Consortium (ExAC).